The following is an entry in ClinVar:

NM_198075.4(LRRC56):c.1397C>G (p.Pro466Arg)

Gene: LRRC56 (leucine rich repeat containing 56; plus strand). Cytogenetic location: 11p15.5.
Variant type: single nucleotide variant.
Coding change: c.1397C>G on transcript NM_198075.4 (MANE Select); coding-DNA position 1397, C replaced by G.
Protein change: p.Pro466Arg; replaces proline 466 with arginine.
Molecular consequence: missense variant.
Genome position (GRCh38, 1-based): chr11:554,044, C>G. VCF-style: chr11-554044-C-G. GRCh37 (hg19) VCF-style: chr11-554044-C-G.
Other names: short protein forms P466R.
Identifiers: ClinVar variation 1900947 (VCV001900947.2), dbSNP rs772558927, ClinGen allele CA5780093.

ClinVar aggregate classification (germline): Uncertain significance (1 of 4 stars; one submission).

gnomAD v4.1: 78 of 1,611,826 alleles (0.0048%); highest among the groups gnomAD compares: Middle Eastern, 0.033%; no homozygotes.

Submission:

Labcorp Genetics (formerly Invitae), Labcorp
Classification: Uncertain significance. Last evaluated: 2022-08-23. Review status: criteria provided, single submitter. Criteria: Invitae Variant Classification Sherloc (09022015). Collection method: clinical testing. Allele origin: germline.
Comment: This sequence change replaces proline, which is neutral and non-polar, with arginine, which is basic and polar, at codon 466 of the LRRC56 protein (p.Pro466Arg). This variant is present in population databases (rs772558927, gnomAD 0.01%). This variant has not been reported in the literature in individuals affected with LRRC56-related conditions. Algorithms developed to predict the effect of missense changes on protein structure and function (SIFT, PolyPhen-2, Align-GVGD) all suggest that this variant is likely to be tolerated. In summary, the available evidence is currently insufficient to determine the role of this variant in disease. Therefore, it has been classified as a Variant of Uncertain Significance.